The following is an entry in ClinVar:

ClinVar aggregate classification (germline): Likely benign (1 of 4 stars; one submission).

gnomAD v4.1: 5 of 1,614,204 alleles (0.00031%); highest among the groups gnomAD compares: Admixed American, 0.0033%; no homozygotes.

Submission:

CeGaT Center for Human Genetics Tuebingen
Classification: Likely benign. Last evaluated: 2025-09-01. Review status: criteria provided, single submitter. Criteria: CeGaT Center For Human Genetics Tuebingen Variant Classification Criteria Version 2. Collection method: clinical testing. Allele origin: germline. Affected: yes. Observed: 1 variant allele.
Comment: KANSL1: BP4, BP7

NM_015443.4(KANSL1):c.93T>C (p.Pro31=)

Gene: KANSL1 (KAT8 regulatory NSL complex subunit 1). Cytogenetic location: 17q21.31.
Variant type: single nucleotide variant.
Coding change: c.93T>C on transcript NM_015443.4 (MANE Select); coding-DNA position 93, T replaced by C.
Protein change: p.Pro31=; no amino-acid change (proline 31 retained).
Molecular consequence: synonymous variant. On other transcripts: intron variant (4).
Genome position (GRCh38, 1-based): chr17:46,172,051, A>G on the plus strand (T>C on the coding strand, the complement: KANSL1 is on the minus strand). VCF-style: chr17-46172051-A-G. GRCh37 (hg19) VCF-style: chr17-44249417-A-G.
Other names: c.93T>C, p.Pro31= (NM_001193465.2, NM_001193466.2, NM_001379198.1 and 18 more transcripts); c.23+51620T>C (NM_001405885.1, NM_001405884.1, NM_001405883.1 and 1 more transcripts).
Identifiers: ClinVar variation 4280934 (VCV004280934.7).